The following is an entry in ClinVar:

ClinVar aggregate classification (germline): Uncertain significance (1 of 4 stars; one submission).

Allele frequency attached by ClinVar (database versions not stated): ExAC 0.00001; gnomAD exomes 0.00001 and 0.00002; TOPMed 0.00002.
gnomAD v4.1: 5 of 1,613,860 alleles (0.00031%); highest among the groups gnomAD compares: Admixed American, 0.0083%; no homozygotes.

Submission:

Labcorp Genetics (formerly Invitae), Labcorp
Classification: Uncertain significance. Last evaluated: 2022-02-02. Review status: criteria provided, single submitter. Criteria: Invitae Variant Classification Sherloc (09022015). Collection method: clinical testing. Allele origin: germline.
Comment: In summary, the available evidence is currently insufficient to determine the role of this variant in disease. Therefore, it has been classified as a Variant of Uncertain Significance. Algorithms developed to predict the effect of missense changes on protein structure and function (SIFT, PolyPhen-2, Align-GVGD) all suggest that this variant is likely to be tolerated. This variant has not been reported in the literature in individuals affected with GTPBP3-related conditions. This variant is present in population databases (rs751457870, gnomAD 0.01%). This sequence change replaces phenylalanine, which is neutral and non-polar, with tyrosine, which is neutral and polar, at codon 329 of the GTPBP3 protein (p.Phe329Tyr).

NM_032620.4(GTPBP3):c.890T>A (p.Phe297Tyr)

Gene: GTPBP3 (GTP binding protein 3, mitochondrial; plus strand). Cytogenetic location: 19p13.11.
Variant type: single nucleotide variant.
Coding change: c.890T>A on transcript NM_032620.4 (MANE Select); coding-DNA position 890, T replaced by A.
Protein change: p.Phe297Tyr; replaces phenylalanine 297 with tyrosine.
Molecular consequence: missense variant.
Genome position (GRCh38, 1-based): chr19:17,339,515, T>A. VCF-style: chr19-17339515-T-A. GRCh37 (hg19) VCF-style: chr19-17450324-T-A.
Other names: c.890T>A, p.Phe297Tyr (NM_001128855.3); c.956T>A, p.Phe319Tyr (NM_001195422.1); c.986T>A, p.Phe329Tyr (NM_133644.4); short protein forms F319Y, F297Y, F329Y.
Identifiers: ClinVar variation 1367371 (VCV001367371.6), dbSNP rs751457870, ClinGen allele CA9293565.